The following is an entry in ClinVar:

NM_001370259.2(MEN1):c.329G>A (p.Gly110Glu)

Gene: MEN1 (menin 1; minus strand). Cytogenetic location: 11q13.1.
Variant type: single nucleotide variant.
Coding change: c.329G>A on transcript NM_001370259.2 (MANE Select); coding-DNA position 329, G replaced by A.
Protein change: p.Gly110Glu; replaces glycine 110 with glutamic acid.
Molecular consequence: missense variant.
Genome position (GRCh38, 1-based): chr11:64,809,781, C>T on the plus strand (G>A on the coding strand, the complement: MEN1 is on the minus strand). VCF-style: chr11-64809781-C-T. GRCh37 (hg19) VCF-style: chr11-64577253-C-T.
Other names: c.329G>A, p.Gly110Glu (NM_000244.4, NM_001370251.2, NM_001370260.2 and 9 more transcripts); short protein forms G110E.
Identifiers: ClinVar variation 846061 (VCV000846061.17), dbSNP rs1389398299, ClinGen allele CA381187395.

ClinVar aggregate classification (germline): Conflicting classifications of pathogenicity. Review status: criteria provided, conflicting classifications (1 of 4 stars). 4 submissions from 4 submitters: Uncertain significance (3); Likely benign (1). Last evaluated 2025-09-16.

Conditions:
Multiple endocrine neoplasia, type 1 (MEN1). Also called: MEA I; MEN I; WERMER SYNDROME; Endocrine adenomatosis multiple; MEN 1. Identifiers: Orphanet 652, MedGen C0025267, MeSH D018761, MONDO:0007540, OMIM 131100.
Hereditary cancer-predisposing syndrome. Also called: Neoplastic Syndromes, Hereditary; Hereditary neoplastic syndrome; Tumor predisposition; Hereditary Cancer Syndrome. Identifiers: Orphanet 140162, MedGen C0027672, MeSH D009386, MONDO:0015356.

Allele frequency attached by ClinVar (database versions not stated): gnomAD exomes 0.00001.

Submissions (4):

Labcorp Genetics (formerly Invitae), Labcorp
Classification: Likely benign for Multiple endocrine neoplasia, type 1. Last evaluated: 2025-09-16. Review status: criteria provided, single submitter. Criteria: Invitae Variant Classification Sherloc (09022015). Collection method: clinical testing. Allele origin: germline.

Ambry Genetics
Classification: Uncertain significance for Hereditary cancer-predisposing syndrome. Last evaluated: 2025-09-09. Review status: criteria provided, single submitter. Criteria: Ambry Variant Classification Scheme 2023. Collection method: clinical testing. Allele origin: germline.
Comment: The p.G110E variant (also known as c.329G>A), located in coding exon 1 of the MEN1 gene, results from a G to A substitution at nucleotide position 329. The glycine at codon 110 is replaced by glutamic acid, an amino acid with similar properties. This alteration was identified in an individual with a clinical diagnosis of multiple endocrine neoplasia type 1 (MEN1) (Jap TS et al. Clin. Endocrinol. (Oxf), 2005 Mar;62:336-42). This amino acid position is not well conserved in available vertebrate species. In addition, this alteration is predicted to be deleterious by in silico analysis. Since supporting evidence is limited at this time, the clinical significance of this alteration remains unclear.

Baylor Genetics
Classification: Uncertain significance for Multiple Endocrine Neoplasia Type 1. Last evaluated: 2024-03-25. Review status: criteria provided, single submitter. Criteria: ACMG Guidelines, 2015. Collection method: clinical testing. Allele origin: unknown.

All of Us Research Program, National Institutes of Health
Classification: Uncertain significance for Multiple endocrine neoplasia, type 1. Last evaluated: 2023-05-31. Review status: criteria provided, single submitter. Criteria: ACMG Guidelines, 2015. Collection method: clinical testing. Allele origin: germline. Inheritance: Autosomal dominant inheritance. Observed: 1 variant allele, 1 heterozygote.
Comment: This study involves interpretation of variants in research participants for the purpose of population health screening. Participant phenotype was not available at the time of variant classification. Additional details can be found in publication PMID: 35346344, PMCID: PMC8962531

Literature cited by the submitters: PubMed 15730416 (cited by Ambry Genetics).